The following is an entry in ClinVar:

ClinVar aggregate classification (germline): Conflicting classifications of pathogenicity. Review status: criteria provided, conflicting classifications (1 of 4 stars). 8 submissions from 8 submitters: Uncertain significance (3); Benign (1); Likely benign (1). 3 of the submissions do not count toward it. Last evaluated 2026-01-31.

Conditions:
NPHS1-related disorder. Also called: NPHS1-related condition.
Finnish congenital nephrotic syndrome (NPHS1). Also called: NEPHROTIC SYNDROME, TYPE 1. Identifiers: Orphanet 839, MedGen C0403399, MONDO:0009732, OMIM 256300.
Congenital nephrotic syndrome. Also called: Familial nephrotic syndrome. Identifiers: MedGen C3501848, MeSH C535761, MONDO:0002350, HP:0008677.
Focal segmental glomerulosclerosis (FSGS). Also called: Glomerulosclerosis, focal; Focal sclerosis with hyalinosis. Identifiers: MedGen C0017668, MONDO:0100313, HP:0000097. Disease mechanism: loss of function.

Allele frequency attached by ClinVar (database versions not stated): ESP Exome Variant Server 0.00015; gnomAD 0.00027 and 0.00042; TOPMed 0.00037; gnomAD exomes 0.00065 and 0.00104; 1000 Genomes Project 30x 0.00094; 1000 Genomes Project 0.00120; ExAC 0.00305.
gnomAD v4.1: 1,002 of 1,585,728 alleles (0.063%); highest among the groups gnomAD compares: South Asian, 0.7%; 8 homozygotes.

Submissions (8):

Labcorp Genetics (formerly Invitae), Labcorp
Classification: Benign. Last evaluated: 2026-01-31. Review status: criteria provided, single submitter. Criteria: Invitae Variant Classification Sherloc (09022015). Collection method: clinical testing. Allele origin: germline.

Blueprint Genetics
Classification: Likely benign. Last evaluated: 2024-11-22. Review status: criteria provided, single submitter. Criteria: ACMG Guidelines, 2015. Collection method: clinical testing. Allele origin: germline.

Genome-Nilou Lab
Classification: Uncertain significance for Finnish congenital nephrotic syndrome. Last evaluated: 2021-05-18. Review status: criteria provided, single submitter. Criteria: ACMG Guidelines, 2015. Collection method: clinical testing. Allele origin: germline. Affected: no.

Genome Diagnostics Laboratory, The Hospital for Sick Children
Classification: Uncertain significance for Focal segmental glomerulosclerosis. Last evaluated: 2020-12-31. Review status: criteria provided, single submitter. Criteria: ACMG Guidelines, 2015. Collection method: clinical testing. Allele origin: germline.

Illumina Laboratory Services, Illumina
Classification: Uncertain significance for Congenital nephrotic syndrome. Last evaluated: 2017-04-27. Review status: criteria provided, single submitter. Criteria: ICSL Variant Classification Criteria 13 December 2019. Collection method: clinical testing. Allele origin: germline.
Comment: This variant was observed as part of a predisposition screen in an ostensibly healthy population. A literature search was performed for the gene, cDNA change, and amino acid change (where applicable). Publications were found based on this search. However, the evidence from the literature, in combination with allele frequency data from public databases where available, was not sufficient to rule this variant in or out of causing disease. Therefore, this variant is classified as a variant of unknown significance.

PreventionGenetics, part of Exact Sciences
Classification: Likely benign for NPHS1-related condition. Last evaluated: 2022-08-26. Review status: no assertion criteria provided. Collection method: clinical testing. Allele origin: germline. Not counted in ClinVar's aggregate classification.
Comment: This variant is classified as likely benign based on ACMG/AMP sequence variant interpretation guidelines (Richards et al. 2015 PMID: 25741868, with internal and published modifications).

Natera, Inc.
Classification: Likely benign for Finnish congenital nephrotic syndrome. Last evaluated: 2020-01-10. Review status: no assertion criteria provided. Collection method: clinical testing. Allele origin: germline. Not counted in ClinVar's aggregate classification.

Counsyl
Classification: Uncertain significance for Finnish congenital nephrotic syndrome. Last evaluated: 2018-01-05. Review status: no assertion criteria provided. Collection method: clinical testing. Allele origin: unknown. Not counted in ClinVar's aggregate classification.

Literature cited by the submitters: PubMed 19812541 (cited by Illumina Laboratory Services, Illumina and Counsyl).

NM_004646.4(NPHS1):c.1610C>T (p.Thr537Met)

Gene: NPHS1 (NPHS1 adhesion molecule, nephrin; minus strand). Cytogenetic location: 19q13.12.
Variant type: single nucleotide variant.
Coding change: c.1610C>T on transcript NM_004646.4 (MANE Select); coding-DNA position 1610, C replaced by T.
Protein change: p.Thr537Met; replaces threonine 537 with methionine.
Molecular consequence: missense variant.
Genome position (GRCh38, 1-based): chr19:35,846,025, G>A on the plus strand (C>T on the coding strand, the complement: NPHS1 is on the minus strand). VCF-style: chr19-35846025-G-A. GRCh37 (hg19) VCF-style: chr19-36336927-G-A.
Other names: short protein forms T537M.
Identifiers: ClinVar variation 180462 (VCV000180462.25), dbSNP rs368913905, ClinGen allele CA346563.